The following is an entry in ClinVar:

ClinVar aggregate classification (germline): Uncertain significance. Review status: criteria provided, multiple submitters, no conflicts (2 of 4 stars). 2 submissions from 2 submitters: Uncertain significance (2). Last evaluated 2023-01-23.

Conditions:
RYR1-related disorder. Also called: RYR1-related condition; RYR1-related disorders. Identifiers: MedGen CN239331.

gnomAD v4.1: 8 of 1,614,102 alleles (0.0005%); highest among the groups gnomAD compares: Non-Finnish European, 0.00068%; no homozygotes.

Submissions (2):

GeneDx
Classification: Uncertain significance. Last evaluated: 2023-01-23. Review status: criteria provided, single submitter. Criteria: GeneDx Variant Classification Process June 2021. Collection method: clinical testing. Allele origin: germline. Affected: yes.
Comment: Not observed at significant frequency in large population cohorts (gnomAD); In silico analysis supports that this missense variant has a deleterious effect on protein structure/function; Has not been previously published as pathogenic or benign to our knowledge

Labcorp Genetics (formerly Invitae), Labcorp
Classification: Uncertain significance for RYR1-related disorder. Last evaluated: 2021-07-12. Review status: criteria provided, single submitter. Criteria: Invitae Variant Classification Sherloc (09022015). Collection method: clinical testing. Allele origin: germline.
Comment: This sequence change replaces valine with leucine at codon 4048 of the RYR1 protein (p.Val4048Leu). The valine residue is moderately conserved and there is a small physicochemical difference between valine and leucine. This variant is present in population databases (rs368835421, ExAC 0.001%). This variant has not been reported in the literature in individuals affected with RYR1-related conditions. Algorithms developed to predict the effect of missense changes on protein structure and function (SIFT, PolyPhen-2, Align-GVGD) all suggest that this variant is likely to be tolerated. In summary, the available evidence is currently insufficient to determine the role of this variant in disease. Therefore, it has been classified as a Variant of Uncertain Significance.

NM_000540.3(RYR1):c.12142G>T (p.Val4048Leu)

Gene: RYR1 (ryanodine receptor 1; plus strand). Cytogenetic location: 19q13.2.
Variant type: single nucleotide variant.
Coding change: c.12142G>T on transcript NM_000540.3 (MANE Select); coding-DNA position 12142, G replaced by T.
Protein change: p.Val4048Leu; replaces valine 4048 with leucine.
Molecular consequence: missense variant.
Genome position (GRCh38, 1-based): chr19:38,548,280, G>T. VCF-style: chr19-38548280-G-T. GRCh37 (hg19) VCF-style: chr19-39038920-G-T.
Other names: c.12127G>T, p.Val4043Leu (NM_001042723.2); c.12142G>T (NM_000540.2); short protein forms V4048L, V4043L.
Identifiers: ClinVar variation 1431110 (VCV001431110.8), dbSNP rs368835421, ClinGen allele CA058364.